The following is an entry in ClinVar:

ClinVar aggregate classification (germline): Likely benign. Review status: criteria provided, multiple submitters, no conflicts (2 of 4 stars). 2 submissions from 2 submitters: Likely benign (2). Last evaluated 2026-07-01.

Allele frequency attached by ClinVar (database versions not stated): gnomAD 0.00004 and 0.00005; TOPMed 0.00004; ESP Exome Variant Server 0.00009; 1000 Genomes Project 0.00040; 1000 Genomes Project 30x 0.00078.
gnomAD v4.1: 131 of 1,611,116 alleles (0.0081%); highest among the groups gnomAD compares: East Asian, 0.013%; no homozygotes.

Submissions (2):

CeGaT Center for Human Genetics Tuebingen
Classification: Likely benign. Last evaluated: 2026-07-01. Review status: criteria provided, single submitter. Criteria: CeGaT Center For Human Genetics Tuebingen Variant Classification Criteria Version 2. Collection method: clinical testing. Allele origin: germline. Affected: yes. Observed: 1 variant allele.
Comment: ASXL2: BP4, BP7

Labcorp Genetics (formerly Invitae), Labcorp
Classification: Likely benign. Last evaluated: 2024-01-29. Review status: criteria provided, single submitter. Criteria: Invitae Variant Classification Sherloc (09022015). Collection method: clinical testing. Allele origin: germline.

NM_018263.6(ASXL2):c.2031C>T (p.Ala677=)

Gene: ASXL2 (ASXL transcriptional regulator 2; minus strand). Cytogenetic location: 2p23.3.
Variant type: single nucleotide variant.
Coding change: c.2031C>T on transcript NM_018263.6 (MANE Select); coding-DNA position 2031, C replaced by T.
Protein change: p.Ala677=; no amino-acid change (alanine 677 retained).
Molecular consequence: synonymous variant.
Genome position (GRCh38, 1-based): chr2:25,744,306, G>A on the plus strand (C>T on the coding strand, the complement: ASXL2 is on the minus strand). VCF-style: chr2-25744306-G-A. GRCh37 (hg19) VCF-style: chr2-25967175-G-A.
Other names: c.1857C>T, p.Ala619= (NM_001369346.1); c.1251C>T, p.Ala417= (NM_001369347.1).
Identifiers: ClinVar variation 735339 (VCV000735339.10), dbSNP rs370773086, ClinGen allele CA1557698.